The following is an entry in ClinVar:

NM_001161352.2(KCNMA1):c.1334+3A>G

Gene: KCNMA1 (potassium calcium-activated channel subfamily M alpha 1; minus strand). Cytogenetic location: 10q22.3.
Variant type: single nucleotide variant.
Coding change: c.1334+3A>G on transcript NM_001161352.2 (MANE Select); 3 bases into the intron after coding-DNA position 1334, A replaced by G.
Molecular consequence: intron variant.
Genome position (GRCh38, 1-based): chr10:77,090,397, T>C on the plus strand (A>G on the coding strand, the complement: KCNMA1 is on the minus strand). VCF-style: chr10-77090397-T-C. GRCh37 (hg19) VCF-style: chr10-78850155-T-C.
Other names: c.1172+3A>G (NM_001271518.2); c.1334+3A>G (NM_001322832.2, NM_001322829.2, NM_001014797.3 and 7 more transcripts); c.794+3A>G (NM_001322838.2).
Identifiers: ClinVar variation 1494097 (VCV001494097.6), dbSNP rs2153792200, ClinGen allele CA2573145845.

ClinVar aggregate classification (germline): Uncertain significance (1 of 4 stars; one submission).

Conditions:
Generalized epilepsy-paroxysmal dyskinesia syndrome (PNKD3). Also called: Paroxysmal nonkinesigenic dyskinesia, 3, with or without generalized epilepsy; Generalized epilepsy and paroxysmal dyskinesia. Identifiers: Orphanet 79137, MedGen C5574945, MONDO:0012276, OMIM 609446.

Submission:

Labcorp Genetics (formerly Invitae), Labcorp
Classification: Uncertain significance for Generalized epilepsy-paroxysmal dyskinesia syndrome. Last evaluated: 2021-04-24. Review status: criteria provided, single submitter. Criteria: Invitae Variant Classification Sherloc (09022015). Collection method: clinical testing. Allele origin: germline.
Comment: This variant has not been reported in the literature in individuals with KCNMA1-related conditions. This variant is not present in population databases (ExAC no frequency). This sequence change falls in intron 10 of the KCNMA1 gene. It does not directly change the encoded amino acid sequence of the KCNMA1 protein. It affects a nucleotide within the consensus splice site of the intron. Nucleotide substitutions within the consensus splice site are a relatively common cause of aberrant splicing (PMID: 17576681, 9536098). Algorithms developed to predict the effect of sequence changes on RNA splicing suggest that this variant may disrupt the consensus splice site, but this prediction has not been confirmed by published transcriptional studies. In summary, the available evidence is currently insufficient to determine the role of this variant in disease. Therefore, it has been classified as a Variant of Uncertain Significance.

Literature cited by the submitters: PubMed 17576681; PubMed 9536098.